The following is an entry in ClinVar:

NM_001242957.3(MAK):c.31G>C (p.Gly11Arg)

Gene: MAK (male germ cell associated kinase; minus strand). Cytogenetic location: 6p24.2.
Variant type: single nucleotide variant.
Coding change: c.31G>C on transcript NM_001242957.3 (MANE Select); coding-DNA position 31, G replaced by C.
Protein change: p.Gly11Arg; replaces glycine 11 with arginine.
Molecular consequence: missense variant. On other transcripts: non-coding transcript variant (2), intron variant (1).
Genome position (GRCh38, 1-based): chr6:10,830,618, C>G on the plus strand (G>C on the coding strand, the complement: MAK is on the minus strand). VCF-style: chr6-10830618-C-G. GRCh37 (hg19) VCF-style: chr6-10830851-C-G.
Other names: c.31G>C, p.Gly11Arg (NM_001242385.2, NM_005906.6); c.-2+7885G>C (NM_001377262.1); short protein forms G11R.
Identifiers: ClinVar variation 1015475 (VCV001015475.8), dbSNP rs1778747154, ClinGen allele CA362721839.

ClinVar aggregate classification (germline): Uncertain significance (1 of 4 stars; one submission).

Submission:

Labcorp Genetics (formerly Invitae), Labcorp
Classification: Uncertain significance. Last evaluated: 2022-11-28. Review status: criteria provided, single submitter. Criteria: Invitae Variant Classification Sherloc (09022015). Collection method: clinical testing. Allele origin: germline.
Comment: This sequence change replaces glycine, which is neutral and non-polar, with arginine, which is basic and polar, at codon 11 of the MAK protein (p.Gly11Arg). This variant is not present in population databases (gnomAD no frequency). This variant has not been reported in the literature in individuals affected with MAK-related conditions. ClinVar contains an entry for this variant (Variation ID: 1015475). Advanced modeling of protein sequence and biophysical properties (such as structural, functional, and spatial information, amino acid conservation, physicochemical variation, residue mobility, and thermodynamic stability) performed at Invitae indicates that this missense variant is expected to disrupt MAK protein function. In summary, the available evidence is currently insufficient to determine the role of this variant in disease. Therefore, it has been classified as a Variant of Uncertain Significance.